The following is an entry in ClinVar:

NM_001035.3(RYR2):c.9012G>A (p.Val3004=)

Gene: RYR2 (ryanodine receptor 2; plus strand). Cytogenetic location: 1q43.
Variant type: single nucleotide variant.
Coding change: c.9012G>A on transcript NM_001035.3 (MANE Select); coding-DNA position 9012, G replaced by A.
Protein change: p.Val3004=; no amino-acid change (valine 3004 retained).
Molecular consequence: synonymous variant.
Genome position (GRCh38, 1-based): chr1:237,680,572, G>A. VCF-style: chr1-237680572-G-A. GRCh37 (hg19) VCF-style: chr1-237843872-G-A.
Identifiers: ClinVar variation 3692335 (VCV003692335.2).

ClinVar aggregate classification (germline): Uncertain significance (1 of 4 stars; one submission).

Conditions:
Catecholaminergic polymorphic ventricular tachycardia 1. Also called: VENTRICULAR TACHYCARDIA, STRESS-INDUCED POLYMORPHIC 1; VENTRICULAR TACHYCARDIA, CATECHOLAMINERGIC POLYMORPHIC, 1, WITH OR WITHOUT ATRIAL DYSFUNCTION AND/OR DILATED CARDIOMYOPATHY; RYR2-Related Catecholaminergic Polymorphic Ventricular Tachycardia. Identifiers: Orphanet 3286, MedGen C1631597, MONDO:0011484, OMIM 604772.

Submission:

Labcorp Genetics (formerly Invitae), Labcorp
Classification: Uncertain significance for Catecholaminergic polymorphic ventricular tachycardia 1. Last evaluated: 2025-02-07. Review status: criteria provided, single submitter. Criteria: Invitae Variant Classification Sherloc (09022015). Collection method: clinical testing. Allele origin: germline.
Comment: This sequence change affects codon 3004 of the RYR2 mRNA. It is a 'silent' change, meaning that it does not change the encoded amino acid sequence of the RYR2 protein. This variant is not present in population databases (gnomAD no frequency). This variant has not been reported in the literature in individuals affected with RYR2-related conditions. Algorithms developed to predict the effect of sequence changes on RNA splicing suggest that this variant may create or strengthen a splice site. In summary, the available evidence is currently insufficient to determine the role of this variant in disease. Therefore, it has been classified as a Variant of Uncertain Significance.